The following is an entry in ClinVar:

NM_198407.2(GHSR):c.661T>C (p.Phe221Leu)

Gene: GHSR (growth hormone secretagogue receptor; minus strand). Cytogenetic location: 3q26.31.
Variant type: single nucleotide variant.
Coding change: c.661T>C on transcript NM_198407.2 (MANE Select); coding-DNA position 661, T replaced by C.
Protein change: p.Phe221Leu; replaces phenylalanine 221 with leucine.
Molecular consequence: missense variant.
Genome position (GRCh38, 1-based): chr3:172,447,753, A>G on the plus strand (T>C on the coding strand, the complement: GHSR is on the minus strand). VCF-style: chr3-172447753-A-G. GRCh37 (hg19) VCF-style: chr3-172165543-A-G.
Other names: c.661T>C, p.Phe221Leu (NM_004122.2); short protein forms F221L.
Identifiers: ClinVar variation 4796804 (VCV004796804.1).
Genomic context (GRCh38, chr3:172,447,753, plus strand): 5'-GCCACAGCTTCCTGCCGATGAGACTGTAGAGGACCGTGAGACAGAAGACAGGAAGGAAGA[A>G]GAAGATGCTGGACACCCACACCATGACCGTGAGCAGTCCAGAGCGCACCGCAAACTCGGT-3'
Protein context (NP_940799.1, residues 211-231): TVMVWVSSIF[Phe221Leu]FLPVFCLTVL

ClinVar aggregate classification (germline): Uncertain significance (1 of 4 stars; one submission).

Conditions:
Short stature due to growth hormone secretagogue receptor deficiency (GHDP). Also called: Short stature due to GHSR deficiency. Identifiers: Orphanet 314811, MedGen C5887324, MONDO:0014403, OMIM 615925.

gnomAD v4.1: 1 of 1,614,026 alleles (0.000062%); highest among the groups gnomAD compares: Non-Finnish European, 0.000085%; no homozygotes.

Submission:

MVZ Medizinische Genetik Mainz
Classification: Uncertain significance for Short stature due to growth hormone secretagogue receptor deficiency. Last evaluated: 2026-02-13. Review status: criteria provided, single submitter. Criteria: UK Practice Guidelines For Variant Classification V4 01 2020. Collection method: clinical testing. Allele origin: germline. Inheritance: Autosomal dominant inheritance. Affected: yes. Observed: 1 variant allele.
Comment: ACMG Criteria: PP3_MOD,PM2_SUP